The following is an entry in ClinVar:

ClinVar aggregate classification (germline): Conflicting classifications of pathogenicity. Review status: criteria provided, conflicting classifications (1 of 4 stars). 5 submissions from 5 submitters: Pathogenic (1); Likely pathogenic (3); Uncertain significance (1). Last evaluated 2025-09-15.

Conditions:
Neurofibromatosis, type 1 (NF1). Also called: Peripheral type neurofibromatosis; Neurofibromatosis, type I; VON RECKLINGHAUSEN DISEASE; NEUROFIBROMATOSIS, TYPE I, SOMATIC. Identifiers: Orphanet 636, MedGen C0027831, MONDO:0018975, OMIM 162200. Disease mechanism: loss of function.

Submissions (5):

Labcorp Genetics (formerly Invitae), Labcorp
Classification: Pathogenic for Neurofibromatosis, type 1. Last evaluated: 2025-09-15. Review status: criteria provided, single submitter. Criteria: Invitae Variant Classification Sherloc (09022015). Collection method: clinical testing. Allele origin: germline.
Comment: This variant occurs in a non-coding region of the NF1 gene. It does not change the encoded amino acid sequence of the NF1 protein. This variant is not present in population databases (gnomAD no frequency). This variant has been observed in individual(s) with neurofibromatosis type 1 (PMID: 27322474). It has also been observed to segregate with disease in related individuals. Invitae Evidence Modeling of clinical and family history, age, sex, and reported ancestry of multiple individuals with this NF1 variant has been performed. This variant is expected to be pathogenic with a positive predictive value of at least 99%. This is a validated machine learning model that incorporates the clinical features of 1,785,918 individuals referred to our laboratory for NF1 testing. ClinVar contains an entry for this variant (Variation ID: 1013130). For these reasons, this variant has been classified as Pathogenic.

GeneDx
Classification: Likely pathogenic. Last evaluated: 2025-01-17. Review status: criteria provided, single submitter. Criteria: GeneDx Variant Classification Process June 2021. Collection method: clinical testing. Allele origin: germline. Affected: yes.
Comment: Located in a regulatory region; in the absence of functional studies, the actual effect of this sequence change is unknown; No data available from control populations to assess the frequency of this variant; This variant is associated with the following publications: (PMID: 27322474, 34273915, 32461616, 35850704)

ARUP Laboratories, Molecular Genetics and Genomics, ARUP Laboratories
Classification: Uncertain significance. Last evaluated: 2023-05-04. Review status: criteria provided, single submitter. Criteria: ARUP Molecular Germline Variant Investigation Process 2024. Collection method: clinical testing. Allele origin: germline.
Comment: The NF1 c.-272G>A variant (rs1911510393) is reported in the literature in two individuals affected with NF1 and appeared to segregate with NF1 features in both families (Evans 2016). This variant is also reported in ClinVar (Variation ID: 1013130) and is absent from the Genome Aggregation Database, indicating it is not a common polymorphism. This variant is located in the 5’ untranslated region and creates a novel protein translation start codon that if utilized may cause a frameshift. Due to limited information, the clinical significance of this variant is uncertain at this time. References: Evans DG et al. Comprehensive RNA Analysis of the NF1 Gene in Classically Affected NF1 Affected Individuals Meeting NIH Criteria has High Sensitivity and Mutation Negative Testing is Reassuring in Isolated Cases With Pigmentary Features Only. EBioMedicine. 2016 May;7:212-20. PMID: 27322474.

CeGaT Center for Human Genetics Tuebingen
Classification: Likely pathogenic. Last evaluated: 2020-07-01. Review status: criteria provided, single submitter. Criteria: CeGaT Center For Human Genetics Tuebingen Variant Classification Criteria Version 2. Collection method: clinical testing. Allele origin: germline. Affected: yes. Observed: 1 variant allele.

Department of Pathology and Laboratory Medicine, Sinai Health System
Classification: Likely pathogenic for neurofibromatosis type 1. Review status: criteria provided, single submitter. Criteria: ACMG Guidelines, 2015. Collection method: clinical testing. Allele origin: germline.

Literature cited by the submitters: PubMed 27322474 (cited by Labcorp Genetics (formerly Invitae), Labcorp).

NM_001042492.3(NF1):c.-272G>A

Genes: MIR4733HG (MIR4733 host gene; minus strand), NF1 (neurofibromin 1; plus strand), LOC111811965 (NF1 (neurofibromin 1) promoter region; plus strand). Cytogenetic location: 17q11.2.
Variant type: single nucleotide variant.
Coding change: c.-272G>A on transcript NM_001042492.3 (MANE Select); 272 bases upstream of the start codon, G replaced by A.
Molecular consequence: 5 prime UTR variant.
Genome position (GRCh38, 1-based): chr17:31,095,038, G>A. VCF-style: chr17-31095038-G-A. GRCh37 (hg19) VCF-style: chr17-29422056-G-A.
Other names: c.-272G>A (NM_000267.4, NM_001128147.3).
Identifiers: ClinVar variation 1013130 (VCV001013130.49), dbSNP rs1911510393, ClinGen allele CA2255503225.